The following is an entry in ClinVar:

ClinVar aggregate classification (germline): Uncertain significance (1 of 4 stars; one submission).

Conditions:
Neuronal ceroid lipofuscinosis. Also called: Neuronal Ceroid Lipofuscinoses. Identifiers: Orphanet 216, Orphanet 79263, MedGen C0027877, MONDO:0016295. Disease mechanism: loss of function.

Allele frequency attached by ClinVar (database versions not stated): gnomAD exomes below 0.00001.
gnomAD v4.1: 1 of 1,614,188 alleles (0.000062%); highest among the groups gnomAD compares: South Asian, 0.0011%; no homozygotes.

Submission:

Labcorp Genetics (formerly Invitae), Labcorp
Classification: Uncertain significance for Neuronal ceroid lipofuscinosis. Last evaluated: 2021-07-25. Review status: criteria provided, single submitter. Criteria: Invitae Variant Classification Sherloc (09022015). Collection method: clinical testing. Allele origin: germline.
Comment: In summary, the available evidence is currently insufficient to determine the role of this variant in disease. Therefore, it has been classified as a Variant of Uncertain Significance. Advanced modeling of protein sequence and biophysical properties (such as structural, functional, and spatial information, amino acid conservation, physicochemical variation, residue mobility, and thermodynamic stability) performed at Invitae indicates that this missense variant is not expected to disrupt CLN8 protein function. This variant has not been reported in the literature in individuals affected with CLN8-related conditions. This variant is not present in population databases (ExAC no frequency). This sequence change replaces alanine with glycine at codon 93 of the CLN8 protein (p.Ala93Gly). The alanine residue is moderately conserved and there is a small physicochemical difference between alanine and glycine.

NM_018941.4(CLN8):c.278C>G (p.Ala93Gly)

Gene: CLN8 (CLN8 transmembrane ER and ERGIC protein; plus strand). Cytogenetic location: 8p23.3.
Variant type: single nucleotide variant.
Coding change: c.278C>G on transcript NM_018941.4 (MANE Select); coding-DNA position 278, C replaced by G.
Protein change: p.Ala93Gly; replaces alanine 93 with glycine.
Molecular consequence: missense variant.
Genome position (GRCh38, 1-based): chr8:1,771,332, C>G. VCF-style: chr8-1771332-C-G. GRCh37 (hg19) VCF-style: chr8-1719498-C-G.
Other names: short protein forms A93G.
Identifiers: ClinVar variation 1477553 (VCV001477553.8), dbSNP rs1468620144, ClinGen allele CA369953227.